The following is an entry in ClinVar:

ClinVar aggregate classification (germline): Uncertain significance (1 of 4 stars; one submission).

Submission:

Labcorp Genetics (formerly Invitae), Labcorp
Classification: Uncertain significance. Last evaluated: 2025-08-02. Review status: criteria provided, single submitter. Criteria: Invitae Variant Classification Sherloc (09022015). Collection method: clinical testing. Allele origin: germline.
Comment: This sequence change replaces alanine, which is neutral and non-polar, with threonine, which is neutral and polar, at codon 83 of the SIRT1 protein (p.Ala83Thr). This variant is not present in population databases (gnomAD no frequency). This variant has not been reported in the literature in individuals affected with SIRT1-related conditions. An algorithm developed to predict the effect of missense changes on protein structure and function (PolyPhen-2) suggests that this variant is likely to be disruptive. In summary, the available evidence is currently insufficient to determine the role of this variant in disease. Therefore, it has been classified as a Variant of Uncertain Significance.

NM_012238.5(SIRT1):c.247G>A (p.Ala83Thr)

Genes: SIRT1 (sirtuin 1; plus strand), LOC107832851 (SIRT1 promoter region; plus strand). Cytogenetic location: 10q21.3.
Variant type: single nucleotide variant.
Coding change: c.247G>A on transcript NM_012238.5 (MANE Select); coding-DNA position 247, G replaced by A.
Protein change: p.Ala83Thr; replaces alanine 83 with threonine.
Molecular consequence: missense variant.
Genome position (GRCh38, 1-based): chr10:67,884,968, G>A. VCF-style: chr10-67884968-G-A. GRCh37 (hg19) VCF-style: chr10-69644726-G-A.
Other names: short protein forms A83T.
Identifiers: ClinVar variation 4699225 (VCV004699225.1).